The following is an entry in ClinVar:

ClinVar aggregate classification (germline): Likely benign (1 of 4 stars; one submission).

Submission:

GeneDx
Classification: Likely benign. Last evaluated: 2017-01-18. Review status: criteria provided, single submitter. Criteria: GeneDx Variant Classification (06012015). Collection method: clinical testing. Allele origin: germline. Affected: yes.
Comment: This variant is considered likely benign or benign based on one or more of the following criteria: it is a conservative change, it occurs at a poorly conserved position in the protein, it is predicted to be benign by multiple in silico algorithms, and/or has population frequency not consistent with disease.

NM_000070.3(CAPN3):c.1525-16T>G

Gene: CAPN3 (calpain 3; plus strand). Cytogenetic location: 15q15.1.
Variant type: single nucleotide variant.
Coding change: c.1525-16T>G on transcript NM_000070.3 (MANE Select); 16 bases into the intron before coding-DNA position 1525, T replaced by G.
Molecular consequence: intron variant.
Genome position (GRCh38, 1-based): chr15:42,402,108, T>G. VCF-style: chr15-42402108-T-G. GRCh37 (hg19) VCF-style: chr15-42694306-T-G.
Other names: c.1525-16T>G (NM_024344.2); c.1381-16T>G (NM_173087.2).
Identifiers: ClinVar variation 506855 (VCV000506855.1), dbSNP rs1555422168, ClinGen allele CA658798311.
Genomic context (GRCh38, chr15:42,402,108, plus strand): 5'-GTTGCTGGCATTGCCTTCCGCAGGCTCCTCATCCTCATTCACATCTGAAGCATCTTCCTT[T>G]CTGTTTCTTCTCAAGGTTCCCAAAGAGGTATAGCAGCAGCAGCGGCCAGCAGTTGTGTGC-3'